The following is an entry in ClinVar:

NM_014845.6(FIG4):c.1389-2A>G

Gene: FIG4 (FIG4 phosphoinositide 5-phosphatase; plus strand). Cytogenetic location: 6q21.
Variant type: single nucleotide variant.
Coding change: c.1389-2A>G on transcript NM_014845.6 (MANE Select); the canonical splice acceptor site of the intron before coding-DNA position 1389, A replaced by G.
Molecular consequence: splice acceptor variant.
Genome position (GRCh38, 1-based): chr6:109,763,935, A>G. VCF-style: chr6-109763935-A-G. GRCh37 (hg19) VCF-style: chr6-110085138-A-G.
Other names: NC_000006.11:g.110085138A>G.
Identifiers: ClinVar variation 3382272 (VCV003382272.3).

ClinVar aggregate classification (germline): Likely pathogenic (1 of 4 stars; one submission).

Conditions:
Charcot-Marie-Tooth disease type 4J (CMT4J). Also called: Charcot-Marie-Tooth Neuropathy Type 4J; CHARCOT-MARIE-TOOTH DISEASE, AUTOSOMAL RECESSIVE, TYPE 4J; CHARCOT-MARIE-TOOTH DISEASE, DEMYELINATING, TYPE 4J. Identifiers: Orphanet 139515, MedGen C1970011, MONDO:0012640, OMIM 611228.
Yunis-Varon syndrome (YVS). Also called: Cleidocranial dysplasia, micrognathia, absent thumbs, & distal aphalangia. Identifiers: Orphanet 3472, MedGen C1857663, MONDO:0008995, OMIM 216340.
Bilateral parasagittal parieto-occipital polymicrogyria. Also called: Polymicrogyria, bilateral temporooccipital. Identifiers: Orphanet 208441, MedGen C4013648, MONDO:0012986, OMIM 612691.
Amyotrophic lateral sclerosis type 11 (ALS11). Identifiers: Orphanet 803, MedGen C2675491, MONDO:0012945, OMIM 612577.

gnomAD v4.1: 2 of 1,605,258 alleles (0.00012%); highest among the groups gnomAD compares: Non-Finnish European, 0.00017%; no homozygotes.

Submissions (2):

Juno Genomics, Hangzhou Juno Genomics, Inc
Classification: Likely pathogenic for Bilateral parasagittal parieto-occipital polymicrogyria; Amyotrophic lateral sclerosis type 11; Charcot-Marie-Tooth disease type 4J; Yunis-Varon syndrome. Review status: criteria provided, single submitter. Criteria: ACMG Guidelines, 2015. Collection method: clinical testing. Allele origin: germline. Affected: yes.
Comment: Absent from controls (or at extremely low frequency if recessive) in Genome Aggregation Database, Exome Sequencing Project, 1000 Genomes Project, or Exome Aggregation Consortium.;Null variant in a gene where loss of function (LOF) is a known mechanism of disease.

Dr. Peter K. Rogan Lab, Western University
No classification provided (evidence only). Condition: Thyroid cancer, nonmedullary, 1. Review status: no classification provided. Collection method: in vitro. Allele origin: not applicable. Functional consequence: retained intron. Not counted in ClinVar's aggregate classification.